The following is an entry in ClinVar:

ClinVar aggregate classification (germline): Likely benign. Review status: criteria provided, multiple submitters, no conflicts (2 of 4 stars). 2 submissions from 2 submitters: Likely benign (2). Last evaluated 2025-05-21.

Allele frequency attached by ClinVar (database versions not stated): ExAC 0.00001; gnomAD 0.00001; gnomAD exomes 0.00001; TOPMed 0.00001; 1000 Genomes Project 30x 0.00016; 1000 Genomes Project 0.00020.
gnomAD v4.1: 25 of 1,612,950 alleles (0.0015%); highest among the groups gnomAD compares: African/African-American, 0.023%; no homozygotes.

Submissions (2):

Labcorp Genetics (formerly Invitae), Labcorp
Classification: Likely benign. Last evaluated: 2025-05-21. Review status: criteria provided, single submitter. Criteria: Invitae Variant Classification Sherloc (09022015). Collection method: clinical testing. Allele origin: germline.

CeGaT Center for Human Genetics Tuebingen
Classification: Likely benign. Last evaluated: 2023-12-01. Review status: criteria provided, single submitter. Criteria: CeGaT Center For Human Genetics Tuebingen Variant Classification Criteria Version 2. Collection method: clinical testing. Allele origin: germline. Affected: yes. Observed: 1 variant allele.
Comment: PTPN23: BP4, BP7

NM_015466.4(PTPN23):c.4308G>A (p.Leu1436=)

Gene: PTPN23 (protein tyrosine phosphatase non-receptor type 23; plus strand). Cytogenetic location: 3p21.31.
Variant type: single nucleotide variant.
Coding change: c.4308G>A on transcript NM_015466.4 (MANE Select); coding-DNA position 4308, G replaced by A.
Protein change: p.Leu1436=; no amino-acid change (leucine 1436 retained).
Molecular consequence: synonymous variant.
Genome position (GRCh38, 1-based): chr3:47,412,412, G>A. VCF-style: chr3-47412412-G-A. GRCh37 (hg19) VCF-style: chr3-47453902-G-A.
Other names: c.3930G>A, p.Leu1310= (NM_001304482.2).
Identifiers: ClinVar variation 1645903 (VCV001645903.30), dbSNP rs150910187, ClinGen allele CA2366542.